The following is an entry in ClinVar:

ClinVar aggregate classification (germline): Uncertain significance. Review status: criteria provided, multiple submitters, no conflicts (2 of 4 stars). 2 submissions from 2 submitters: Uncertain significance (2). Last evaluated 2025-05-18.

Conditions:
Charcot-Marie-Tooth disease type 2. Also called: Charcot-Marie-Tooth type 2. Identifiers: Orphanet 64746, MedGen C0270914, MONDO:0018993.

Allele frequency attached by ClinVar (database versions not stated): gnomAD exomes below 0.00001.

Submissions (2):

Labcorp Genetics (formerly Invitae), Labcorp
Classification: Uncertain significance for Charcot-Marie-Tooth disease type 2. Last evaluated: 2025-05-18. Review status: criteria provided, single submitter. Criteria: Invitae Variant Classification Sherloc (09022015). Collection method: clinical testing. Allele origin: germline.
Comment: This sequence change replaces isoleucine, which is neutral and non-polar, with valine, which is neutral and non-polar, at codon 1756 of the KIF1B protein (p.Ile1756Val). This variant is not present in population databases (gnomAD no frequency). This variant has not been reported in the literature in individuals affected with KIF1B-related conditions. ClinVar contains an entry for this variant (Variation ID: 1746463). An algorithm developed to predict the effect of missense changes on protein structure and function (PolyPhen-2) suggests that this variant is likely to be disruptive. In summary, the available evidence is currently insufficient to determine the role of this variant in disease. Therefore, it has been classified as a Variant of Uncertain Significance.

Ambry Genetics
Classification: Uncertain significance. Last evaluated: 2022-10-31. Review status: criteria provided, single submitter. Criteria: Ambry Variant Classification Scheme 2023. Collection method: clinical testing. Allele origin: germline.
Comment: The p.I1756V variant (also known as c.5266A>G), located in coding exon 45 of the KIF1B gene, results from an A to G substitution at nucleotide position 5266. The isoleucine at codon 1756 is replaced by valine, an amino acid with highly similar properties. This amino acid position is conserved. In addition, the in silico prediction for this alteration is inconclusive. Since supporting evidence is limited at this time, the clinical significance of this alteration remains unclear.

NM_001365951.3(KIF1B):c.5404A>G (p.Ile1802Val)

Gene: KIF1B (kinesin family member 1B; plus strand). Cytogenetic location: 1p36.22.
Variant type: single nucleotide variant.
Coding change: c.5404A>G on transcript NM_001365951.3 (MANE Select); coding-DNA position 5404, A replaced by G.
Protein change: p.Ile1802Val; replaces isoleucine 1802 with valine.
Molecular consequence: missense variant.
Genome position (GRCh38, 1-based): chr1:10,375,369, A>G. VCF-style: chr1-10375369-A-G. GRCh37 (hg19) VCF-style: chr1-10435427-A-G.
Other names: c.5404A>G, p.Ile1802Val (NM_001365952.1); c.5266A>G, p.Ile1756Val (NM_015074.3); short protein forms I1756V, I1802V.
Identifiers: ClinVar variation 1746463 (VCV001746463.4), dbSNP rs2521987284, ClinGen allele CA338332050.
Genomic context (GRCh38, chr1:10,375,369, plus strand): 5'-CTCAATGACAAAGACATGAACGACTGGTTGTATGCCTTCAACCCACTTCTAGCTGGCACA[A>G]TACGGTAAGAAGTTTTGTTGTTGTTGTTGTTGTTTTTGAGACGGAGTCTCACTTTTTCTC-3'
Protein context (NP_001352880.1, residues 1792-1812): YAFNPLLAGT[Ile1802Val]RSKLSRRCPS